The following is an entry in ClinVar:

ClinVar aggregate classification (germline): Pathogenic/Likely pathogenic. Review status: criteria provided, multiple submitters, no conflicts (2 of 4 stars). 5 submissions from 5 submitters: Pathogenic (4); Likely pathogenic (1). Last evaluated 2025-07-10.

Conditions:
Muscular dystrophy-dystroglycanopathy (congenital with impaired intellectual development), type B, 1. Also called: Muscular dystrophy-dystroglycanopathy (congenital with intellectual disability), type B1; MUSCULAR DYSTROPHY, CONGENITAL, POMT1-RELATED. Identifiers: MedGen C5436962, MONDO:0013159, OMIM 613155.
Autosomal recessive limb-girdle muscular dystrophy type 2K. Also called: MUSCULAR DYSTROPHY-DYSTROGLYCANOPATHY (LIMB-GIRDLE), TYPE C, 1; MUSCULAR DYSTROPHY, LIMB-GIRDLE, TYPE 2K. Identifiers: Orphanet 86812, MedGen C1836373, MONDO:0012248, OMIM 609308.
Muscular dystrophy-dystroglycanopathy (congenital with brain and eye anomalies), type A1 (MDDGA1). Also called: COD-MD SYNDROME; Muscular dystrophy-dystroglycanopathy (congenital with brain and eye anomalies), type A, 1; WALKER-WARBURG SYNDROME OR MUSCLE-EYE-BRAIN DISEASE, POMT1-RELATED; Hydrocephalus, agyria and retinal dysplasia; Hard +/- E syndrome; Warburg syndrome. Identifiers: Orphanet 588, Orphanet 899, MedGen C4284790, MONDO:0009364, OMIM 236670.
Walker-Warburg congenital muscular dystrophy. Also called: Muscular dystrophy-dystroglycanopathy, type A; Walker-Warburg syndrome. Identifiers: Orphanet 899, MedGen C0265221, MONDO:0000171.

Allele frequency attached by ClinVar (database versions not stated): ExAC 0.00002; gnomAD exomes 0.00001.
gnomAD v4.1: 4 of 1,614,130 alleles (0.00025%); highest among the groups gnomAD compares: South Asian, 0.0044%; no homozygotes.

Submissions (5):

First Genomix Gene Laboratory, Genetic Diagnostics Department
Classification: Likely pathogenic for Muscular dystrophy-dystroglycanopathy (congenital with brain and eye anomalies), type A1; Muscular dystrophy-dystroglycanopathy (congenital with impaired intellectual development), type B, 1; Autosomal recessive limb-girdle muscular dystrophy type 2K. Last evaluated: 2025-07-10. Review status: criteria provided, single submitter. Criteria: ACMG Guidelines, 2015. Collection method: clinical testing. Allele origin: germline. Inheritance: Autosomal recessive inheritance. Affected: no. Observed: 1 variant allele.

Labcorp Genetics (formerly Invitae), Labcorp
Classification: Pathogenic for Muscular dystrophy-dystroglycanopathy (congenital with impaired intellectual development), type B, 1; Walker-Warburg congenital muscular dystrophy; Autosomal recessive limb-girdle muscular dystrophy type 2K. Last evaluated: 2025-04-01. Review status: criteria provided, single submitter. Criteria: Invitae Variant Classification Sherloc (09022015). Collection method: clinical testing. Allele origin: germline.
Comment: This sequence change creates a premature translational stop signal (p.Gln361*) in the POMT1 gene. It is expected to result in an absent or disrupted protein product. Loss-of-function variants in POMT1 are known to be pathogenic (PMID: 12369018, 15637732, 16575835). This variant is present in population databases (rs756973046, gnomAD 0.01%). This premature translational stop signal has been observed in individual(s) with POMT1-related conditions (PMID: 17878207). ClinVar contains an entry for this variant (Variation ID: 598282). Algorithms developed to predict the effect of sequence changes on RNA splicing suggest that this variant may disrupt the consensus splice site. For these reasons, this variant has been classified as Pathogenic.

Baylor Genetics
Classification: Pathogenic for Muscular dystrophy-dystroglycanopathy (congenital with brain and eye anomalies), type A1. Last evaluated: 2024-03-30. Review status: criteria provided, single submitter. Criteria: ACMG Guidelines, 2015. Collection method: clinical testing. Allele origin: unknown.

Revvity Omics, Revvity
Classification: Pathogenic. Last evaluated: 2023-06-02. Review status: criteria provided, single submitter. Criteria: ACMG Guidelines, 2015. Collection method: clinical testing. Allele origin: germline.

Eurofins Ntd Llc (ga)
Classification: Pathogenic. Last evaluated: 2018-08-09. Review status: criteria provided, single submitter. Criteria: EGL ClinVar v180209 classification definitions. Collection method: clinical testing. Allele origin: germline. Observed: 1 variant allele, 1 heterozygote.

Literature cited by the submitters: PubMed 12369018 (cited by Labcorp Genetics (formerly Invitae), Labcorp); PubMed 15637732 (cited by Labcorp Genetics (formerly Invitae), Labcorp); PubMed 16575835 (cited by Labcorp Genetics (formerly Invitae), Labcorp); PubMed 17878207 (cited by Labcorp Genetics (formerly Invitae), Labcorp and Eurofins Ntd Llc (ga)).

NM_001077365.2(POMT1):c.1015C>T (p.Gln339Ter)

Gene: POMT1 (protein O-mannosyltransferase 1; plus strand). Cytogenetic location: 9q34.13.
Variant type: single nucleotide variant.
Coding change: c.1015C>T on transcript NM_001077365.2 (MANE Select); coding-DNA position 1015, C replaced by T.
Protein change: p.Gln339Ter; replaces glutamine 339 with a stop codon.
Molecular consequence: nonsense. On other transcripts: non-coding transcript variant (10), intron variant (1).
Genome position (GRCh38, 1-based): chr9:131,512,069, C>T. VCF-style: chr9-131512069-C-T. GRCh37 (hg19) VCF-style: chr9-134387456-C-T.
Other names: c.853C>T, p.Gln285Ter (NM_001077366.2, NM_001353194.2); c.1015C>T, p.Gln339Ter (NM_001136113.2, NM_001374690.1); c.664C>T, p.Gln222Ter (NM_001136114.2, NM_001353195.2, NM_001374691.1 and 1 more transcripts); c.1081C>T, p.Gln361Ter (NM_001353193.2, NM_007171.4); c.925C>T, p.Gln309Ter (NM_001353196.2); c.919C>T, p.Gln307Ter (NM_001353197.2, NM_001353198.2); c.730C>T, p.Gln244Ter (NM_001353199.2); c.559C>T, p.Gln187Ter (NM_001353200.2); and 3 more; short protein forms Q361*, Q187*, Q244*, Q307*, Q339*, Q285*, Q222*, Q309*.
Identifiers: ClinVar variation 598282 (VCV000598282.13), dbSNP rs756973046, ClinGen allele CA5293502.